The following is an entry in ClinVar:

NM_015158.5(KANK1):c.549G>C (p.Arg183Ser)

Gene: KANK1 (KN motif and ankyrin repeat domains 1; plus strand). Cytogenetic location: 9p24.3.
Variant type: single nucleotide variant.
Coding change: c.549G>C on transcript NM_015158.5 (MANE Select); coding-DNA position 549, G replaced by C.
Protein change: p.Arg183Ser; replaces arginine 183 with serine.
Molecular consequence: missense variant. On other transcripts: non-coding transcript variant (1).
Genome position (GRCh38, 1-based): chr9:711,315, G>C. VCF-style: chr9-711315-G-C. GRCh37 (hg19) VCF-style: chr9-711315-G-C.
Other names: c.549G>C, p.Arg183Ser (NM_001256876.3, NM_001256877.3, NM_001354331.2 and 3 more transcripts); c.75G>C, p.Arg25Ser (NM_001354333.2, NM_001354335.2, NM_001354336.2 and 10 more transcripts); short protein forms R183S, R25S.
Identifiers: ClinVar variation 4693697 (VCV004693697.1).

ClinVar aggregate classification (germline): Uncertain significance (1 of 4 stars; one submission).

gnomAD v4.1: 4 of 1,614,158 alleles (0.00025%); highest among the groups gnomAD compares: African/African-American, 0.0013%; no homozygotes.

Submission:

Labcorp Genetics (formerly Invitae), Labcorp
Classification: Uncertain significance. Last evaluated: 2025-12-08. Review status: criteria provided, single submitter. Criteria: Invitae Variant Classification Sherloc (09022015). Collection method: clinical testing. Allele origin: germline.
Comment: This sequence change replaces arginine, which is basic and polar, with serine, which is neutral and polar, at codon 183 of the KANK1 protein (p.Arg183Ser). This variant is not present in population databases (gnomAD no frequency). This variant has not been reported in the literature in individuals affected with KANK1-related conditions. Invitae Evidence Modeling of protein sequence and biophysical properties (such as structural, functional, and spatial information, amino acid conservation, physicochemical variation, residue mobility, and thermodynamic stability) indicates that this missense variant is expected to disrupt KANK1 protein function with a positive predictive value of 80%. In summary, the available evidence is currently insufficient to determine the role of this variant in disease. Therefore, it has been classified as a Variant of Uncertain Significance.